The following is an entry in ClinVar:

ClinVar aggregate classification (germline): Benign/Likely benign. Review status: criteria provided, multiple submitters, no conflicts (2 of 4 stars). 5 submissions from 5 submitters: Benign (2); Likely benign (2). 1 of the submissions does not count toward it. Last evaluated 2026-07-01.

Conditions:
Glycogen storage disease, type II (IOPD). Also called: CARDIOMEGALIA GLYCOGENICA DIFFUSA; GLYCOGENOSIS, GENERALIZED, CARDIAC FORM; GSD II; Glycogen storage disease type 2; Acid maltase deficiency disease; Aglucosidase alfa. Identifiers: Orphanet 365, MedGen C0017921, MONDO:0009290, OMIM 232300.

Allele frequency attached by ClinVar (database versions not stated): TOPMed 0.05490; 1000 Genomes Project 0.09784; 1000 Genomes Project 30x 0.09869.
gnomAD v4.1: 49,911 of 1,573,762 alleles (3.2%); highest among the groups gnomAD compares: South Asian, 14%; 2,270 homozygotes.

Submissions (5):

Genomenon, Inc
Classification: Benign for Glycogen storage disease, type II. Last evaluated: 2026-07-01. Review status: criteria provided, single submitter. Criteria: Genomenon Sequence Variant Interpretation Standards - Updated. Collection method: curation. Allele origin: germline. Affected: no.
Comment: GAA c.2647-71G>C is an intronic variant located in intron 18. This variant is present at high allele frequency in population databases. We classify GAA c.2647-71G>C as a benign variant.

Genome-Nilou Lab
Classification: Likely benign for Glycogen storage disease, type II. Last evaluated: 2021-06-10. Review status: criteria provided, single submitter. Criteria: ACMG Guidelines, 2015. Collection method: clinical testing. Allele origin: germline. Affected: no.

GeneDx
Classification: Benign. Last evaluated: 2015-03-03. Review status: criteria provided, single submitter. Criteria: GeneDx Variant Classification Process June 2021. Collection method: clinical testing. Allele origin: germline. Affected: yes.

Breakthrough Genomics
Classification: Likely benign. Review status: criteria provided, single submitter. Criteria: ACMG Guidelines, 2015. Collection method: not provided. Allele origin: germline. Inheritance: Autosomal recessive inheritance. Affected: yes.

Natera, Inc.
Classification: Benign for Glycogen storage disease type II. Last evaluated: 2019-09-09. Review status: no assertion criteria provided. Collection method: clinical testing. Allele origin: germline. Not counted in ClinVar's aggregate classification.

NM_000152.5(GAA):c.2647-71G>C

Gene: GAA (alpha glucosidase; plus strand). Cytogenetic location: 17q25.3.
Variant type: single nucleotide variant.
Coding change: c.2647-71G>C on transcript NM_000152.5 (MANE Select); 71 bases into the intron before coding-DNA position 2647, G replaced by C.
Molecular consequence: intron variant.
Genome position (GRCh38, 1-based): chr17:80,118,582, G>C. VCF-style: chr17-80118582-G-C. GRCh37 (hg19) VCF-style: chr17-78092381-G-C.
Other names: c.2647-71G>C (NM_001079803.3, NM_001079804.3).
Identifiers: ClinVar variation 1172930 (VCV001172930.11), dbSNP rs4889821, ClinGen allele CA294858345.